The following is an entry in ClinVar:

NM_006767.4(LZTR1):c.1538T>C (p.Ile513Thr)

Gene: LZTR1 (leucine zipper like post translational regulator 1; plus strand). Cytogenetic location: 22q11.21.
Variant type: single nucleotide variant.
Coding change: c.1538T>C on transcript NM_006767.4 (MANE Select); coding-DNA position 1538, T replaced by C.
Protein change: p.Ile513Thr; replaces isoleucine 513 with threonine.
Molecular consequence: missense variant.
Genome position (GRCh38, 1-based): chr22:20,994,192, T>C. VCF-style: chr22-20994192-T-C. GRCh37 (hg19) VCF-style: chr22-21348481-T-C.
Other names: short protein forms I513T.
Identifiers: ClinVar variation 2447764 (VCV002447764.2), dbSNP rs755711196, ClinGen allele CA410775818.

ClinVar aggregate classification (germline): Uncertain significance (1 of 4 stars; one submission).

Conditions:
Cardiovascular phenotype. Identifiers: MedGen CN230736.
Hereditary cancer-predisposing syndrome. Also called: Neoplastic Syndromes, Hereditary; Hereditary Cancer Syndrome; Tumor predisposition; Hereditary neoplastic syndrome. Identifiers: Orphanet 140162, MedGen C0027672, MeSH D009386, MONDO:0015356.

gnomAD v4.1: 3 of 1,603,664 alleles (0.00019%); highest among the groups gnomAD compares: African/African-American, 0.0027%; no homozygotes.

Submission:

Ambry Genetics
Classification: Uncertain significance for Cardiovascular phenotype; Hereditary cancer-predisposing syndrome. Last evaluated: 2023-02-25. Review status: criteria provided, single submitter. Criteria: Ambry Variant Classification Scheme 2023. Collection method: clinical testing. Allele origin: germline.
Comment: The p.I513T variant (also known as c.1538T>C), located in coding exon 14 of the LZTR1 gene, results from a T to C substitution at nucleotide position 1538. The isoleucine at codon 513 is replaced by threonine, an amino acid with similar properties. This amino acid position is conserved. In addition, this alteration is predicted to be deleterious by in silico analysis. Since supporting evidence is limited at this time, the clinical significance of this alteration remains unclear.